The following is an entry in ClinVar:

NM_000501.4(ELN):c.1621+1G>A

Genes: ELN-AS1 (ELN antisense RNA 1; minus strand), ELN (elastin; plus strand). Cytogenetic location: 7q11.23.
Variant type: single nucleotide variant.
Coding change: c.1621+1G>A on transcript NM_000501.4 (MANE Select); the canonical splice donor site of the intron after coding-DNA position 1621, G replaced by A.
Molecular consequence: splice donor variant. On other transcripts: intron variant (1).
Genome position (GRCh38, 1-based): chr7:74,060,185, G>A. VCF-style: chr7-74060185-G-A. GRCh37 (hg19) VCF-style: chr7-73474515-G-A.
Other names: c.1621+1G>A (NM_001278912.2); c.1564+1G>A (NM_001081755.3); c.1477+138G>A (NM_001278916.2); c.1378+1G>A (NM_001278913.2); c.1549+1G>A (NM_001278914.2); c.1636+1G>A (NM_001081754.3); c.1579+1G>A (NM_001081753.3); c.1708+1G>A (NM_001278939.2); and 4 more.
Identifiers: ClinVar variation 849541 (VCV000849541.14), dbSNP rs782279081, ClinGen allele CA4293131.

ClinVar aggregate classification (germline): Conflicting classifications of pathogenicity. Review status: criteria provided, conflicting classifications (1 of 4 stars). 3 submissions from 3 submitters: Likely pathogenic (1); Uncertain significance (1); Likely benign (1). Last evaluated 2023-11-20.

Conditions:
Familial thoracic aortic aneurysm and aortic dissection (TAAD). Also called: Thoracic aortic aneurysms and dissections. Identifiers: Orphanet 91387, MedGen C4707243, MONDO:0019625.
Supravalvar aortic stenosis (SVAS). Also called: Supravalvar aortic stenosis, Eisenberg type. Identifiers: Orphanet 3193, MedGen C0003499, MONDO:0008504, OMIM 185500, HP:0004381.

Allele frequency attached by ClinVar (database versions not stated): ExAC 0.00001; gnomAD 0.00001; TOPMed 0.00002.
gnomAD v4.1: 41 of 1,613,932 alleles (0.0025%); highest among the groups gnomAD compares: South Asian, 0.0055%; no homozygotes.

Submissions (3):

Labcorp Genetics (formerly Invitae), Labcorp
Classification: Likely pathogenic for Supravalvar aortic stenosis. Last evaluated: 2023-11-20. Review status: criteria provided, single submitter. Criteria: Invitae Variant Classification Sherloc (09022015). Collection method: clinical testing. Allele origin: germline.
Comment: This sequence change affects a donor splice site in intron 25 of the ELN gene. It is expected to disrupt RNA splicing. Variants that disrupt the donor or acceptor splice site typically lead to a loss of protein function (PMID: 16199547), and loss-of-function variants in ELN are known to be pathogenic (PMID: 11175284). This variant is present in population databases (rs782279081, gnomAD 0.003%). Disruption of this splice site has been observed in individual(s) with congenital heart disease (PMID: 30029678). This variant is also known as c.1549+1G>A. ClinVar contains an entry for this variant (Variation ID: 849541). Algorithms developed to predict the effect of sequence changes on RNA splicing suggest that this variant may disrupt the consensus splice site. In summary, the currently available evidence indicates that the variant is pathogenic, but additional data are needed to prove that conclusively. Therefore, this variant has been classified as Likely Pathogenic.

GeneDx
Classification: Uncertain significance. Last evaluated: 2023-01-27. Review status: criteria provided, single submitter. Criteria: GeneDx Variant Classification Process June 2021. Collection method: clinical testing. Allele origin: germline. Affected: yes.
Comment: Has been identified in a patient with an atrial septal defect, ventricular septal defect, and patent foramen ovale who also harbored a variant in the FLNA gene (Zhu et al., 2018); Not observed at significant frequency in large population cohorts (gnomAD); Canonical splice site variant with an unclear effect on protein function; This variant is associated with the following publications: (PMID: 26582918, 30029678)

Center of Genomic medicine, Geneva, University Hospital of Geneva
Classification: Likely benign for Familial thoracic aortic aneurysm and aortic dissection. Last evaluated: 2020-12-16. Review status: criteria provided, single submitter. Criteria: ACMG Guidelines, 2015. Collection method: clinical testing. Allele origin: paternal. Inheritance: Autosomal dominant inheritance. Affected: yes. Observed: 1 heterozygote.
Comment: This variant has been reported as LP by others, however, as it was inherited from his asymptomatic father and as it is not compatible with the clinical feature of the patient, we suggest that this variant should be classed as likely benign or as VUS.

Literature cited by the submitters: PubMed 16199547 (cited by Labcorp Genetics (formerly Invitae), Labcorp); PubMed 11175284 (cited by Labcorp Genetics (formerly Invitae), Labcorp); PubMed 30029678 (cited by Labcorp Genetics (formerly Invitae), Labcorp).